The following is an entry in ClinVar:

ClinVar aggregate classification (germline): Likely benign. Review status: criteria provided, multiple submitters, no conflicts (2 of 4 stars). 2 submissions from 2 submitters: Likely benign (2). Last evaluated 2026-01-27.

Conditions:
ALDOA-related disorder. Also called: ALDOA-related condition.

gnomAD v4.1: 5 of 1,614,068 alleles (0.00031%); highest among the groups gnomAD compares: Non-Finnish European, 0.00017%; no homozygotes.

Submissions (2):

PreventionGenetics, part of Exact Sciences
Classification: Likely benign for ALDOA-related condition. Last evaluated: 2026-01-27. Review status: criteria provided, single submitter. Criteria: ACMG Guidelines, 2015. Collection method: clinical testing. Allele origin: germline.
Comment: This variant is classified as likely benign based on ACMG/AMP sequence variant interpretation guidelines (Richards et al. 2015 PMID: 25741868, with internal and published modifications).

Mayo Clinic Laboratories, Mayo Clinic
Classification: Likely benign. Last evaluated: 2025-08-05. Review status: criteria provided, single submitter. Criteria: ACMG Guidelines, 2015. Collection method: clinical testing. Allele origin: germline. Observed: 1 variant allele.
Comment: BP4, BP7, PM2_supporting

NM_001243177.4(ALDOA):c.1170C>T (p.Ser390=)

Genes: ALDOA (aldolase, fructose-bisphosphate A; plus strand), LOC112694756 (uncharaterized LOC112694756; plus strand). Cytogenetic location: 16p11.2.
Variant type: single nucleotide variant.
Coding change: c.1170C>T on transcript NM_001243177.4 (MANE Select); coding-DNA position 1170, C replaced by T.
Protein change: p.Ser390=; no amino-acid change (serine 390 retained).
Molecular consequence: synonymous variant. On other transcripts: 3 prime UTR variant (3).
Genome position (GRCh38, 1-based): chr16:30,070,125, C>T. VCF-style: chr16-30070125-C-T. GRCh37 (hg19) VCF-style: chr16-30081446-C-T.
Other names: p.Ser336=; NM_000034.3:c.1008C>T; c.*1517C>T (NM_001365304.2, NM_001365305.2, NM_001365307.2); c.1008C>T, p.Ser336= (NM_001127617.2, NM_184041.5, NM_184043.2).
Identifiers: ClinVar variation 4684089 (VCV004684089.2).